The following is an entry in ClinVar:

ClinVar aggregate classification (germline): Uncertain significance (1 of 4 stars; one submission).

Allele frequency attached by ClinVar (database versions not stated): gnomAD 0.00001; TOPMed 0.00002.

Submission:

GeneDx
Classification: Uncertain significance. Last evaluated: 2023-03-23. Review status: criteria provided, single submitter. Criteria: GeneDx Variant Classification Process June 2021. Collection method: clinical testing. Allele origin: germline. Affected: yes.
Comment: Not observed at significant frequency in large population cohorts (gnomAD); In silico analysis supports that this missense variant has a deleterious effect on protein structure/function; Has not been previously published as pathogenic or benign to our knowledge

NM_024407.5(NDUFS7):c.271G>A (p.Val91Met)

Gene: NDUFS7 (NADH:ubiquinone oxidoreductase core subunit S7; plus strand). Cytogenetic location: 19p13.3.
Variant type: single nucleotide variant.
Coding change: c.271G>A on transcript NM_024407.5 (MANE Select); coding-DNA position 271, G replaced by A.
Protein change: p.Val91Met; replaces valine 91 with methionine.
Molecular consequence: missense variant.
Genome position (GRCh38, 1-based): chr19:1,390,913, G>A. VCF-style: chr19-1390913-G-A. GRCh37 (hg19) VCF-style: chr19-1390912-G-A.
Other names: c.271G>A, p.Val91Met (NM_001363602.2); short protein forms V91M.
Identifiers: ClinVar variation 2446158 (VCV002446158.1), dbSNP rs905069758, ClinGen allele CA304059599.